The following is an entry in ClinVar:

NM_001349338.3(FOXP1):c.561G>C (p.Gln187His)

Gene: FOXP1 (forkhead box P1; minus strand). Cytogenetic location: 3p13.
Variant type: single nucleotide variant.
Coding change: c.561G>C on transcript NM_001349338.3 (MANE Select); coding-DNA position 561, G replaced by C.
Protein change: p.Gln187His; replaces glutamine 187 with histidine.
Molecular consequence: missense variant. On other transcripts: non-coding transcript variant (2).
Genome position (GRCh38, 1-based): chr3:71,047,045, C>G on the plus strand (G>C on the coding strand, the complement: FOXP1 is on the minus strand). VCF-style: chr3-71047045-C-G. GRCh37 (hg19) VCF-style: chr3-71096196-C-G.
Other names: c.558G>C, p.Gln186His (NM_001349341.3); c.261G>C, p.Gln87His (NM_001349342.3, NM_001370548.1, NM_001244813.3 and 1 more transcripts); c.258G>C, p.Gln86His (NM_001349343.3, NM_001349344.3, NM_001349337.2); c.561G>C, p.Gln187His (NM_032682.6, NM_001349340.3, NM_001244808.3 and 3 more transcripts); c.333G>C, p.Gln111His (NM_001244812.3); short protein forms Q87H, Q111H, Q186H, Q187H, Q86H.
Identifiers: ClinVar variation 4775689 (VCV004775689.1).
Genomic context (GRCh38, chr3:71,047,045, plus strand): 5'-AATTGTCAGAAGGCCTTGGCGCTGCAAAGACAGGAGGTGCTGCTGCTGTAACTGCTGCAT[C>G]TGTAAAAGCTGCTGCTGAAAAGCCAACTGCTGGGTAGCCACCTGCTGTTGCTGTAAGAAA-3'
Protein context (NP_001336267.1, residues 177-197): QQLAFQQQLL[Gln187His]MQQLQQQHLL

ClinVar aggregate classification (germline): Uncertain significance (1 of 4 stars; one submission).

gnomAD v4.1: 1 of 1,613,986 alleles (0.000062%); highest among the groups gnomAD compares: Non-Finnish European, 0.000085%; no homozygotes.

Submission:

Labcorp Genetics (formerly Invitae), Labcorp
Classification: Uncertain significance. Last evaluated: 2025-10-01. Review status: criteria provided, single submitter. Criteria: Invitae Variant Classification Sherloc (09022015). Collection method: clinical testing. Allele origin: germline.
Comment: This sequence change replaces glutamine, which is neutral and polar, with histidine, which is basic and polar, at codon 187 of the FOXP1 protein (p.Gln187His). This variant is present in population databases (no rsID available, gnomAD 0.007%). This variant has not been reported in the literature in individuals affected with FOXP1-related conditions. Invitae Evidence Modeling of protein sequence and biophysical properties (such as structural, functional, and spatial information, amino acid conservation, physicochemical variation, residue mobility, and thermodynamic stability) indicates that this missense variant is not expected to disrupt FOXP1 protein function with a negative predictive value of 80%. In summary, the available evidence is currently insufficient to determine the role of this variant in disease. Therefore, it has been classified as a Variant of Uncertain Significance.